The following is an entry in ClinVar:

ClinVar aggregate classification (germline): Uncertain significance. Review status: criteria provided, multiple submitters, no conflicts (2 of 4 stars). 2 submissions from 2 submitters: Uncertain significance (2). Last evaluated 2021-08-31.

Allele frequency attached by ClinVar (database versions not stated): gnomAD 0.00001; ExAC 0.00005; gnomAD exomes 0.00006; TOPMed 0.00001.
gnomAD v4.1: 41 of 1,612,260 alleles (0.0025%); highest among the groups gnomAD compares: South Asian, 0.019%; no homozygotes.

Submissions (2):

Labcorp Genetics (formerly Invitae), Labcorp
Classification: Uncertain significance. Last evaluated: 2021-08-31. Review status: criteria provided, single submitter. Criteria: Invitae Variant Classification Sherloc (09022015). Collection method: clinical testing. Allele origin: germline.
Comment: This sequence change replaces arginine with histidine at codon 156 of the TSPEAR protein (p.Arg156His). The arginine residue is moderately conserved and there is a small physicochemical difference between arginine and histidine. This variant is present in population databases (rs781829503, ExAC 0.02%). This variant has not been reported in the literature in individuals affected with TSPEAR-related conditions. Algorithms developed to predict the effect of missense changes on protein structure and function are either unavailable or do not agree on the potential impact of this missense change (SIFT: "Deleterious"; PolyPhen-2: "Benign"; Align-GVGD: "Class C0"). In summary, the available evidence is currently insufficient to determine the role of this variant in disease. Therefore, it has been classified as a Variant of Uncertain Significance.

GeneDx
Classification: Uncertain significance. Last evaluated: 2019-05-01. Review status: criteria provided, single submitter. Criteria: GeneDx Variant Classification Process June 2021. Collection method: clinical testing. Allele origin: germline. Affected: yes.
Comment: In silico analysis, which includes protein predictors and evolutionary conservation, supports that this variant does not alter protein structure/function; Has not been previously published as pathogenic or benign to our knowledge

NM_144991.3(TSPEAR):c.467G>A (p.Arg156His)

Gene: TSPEAR (thrombospondin type laminin G domain and EAR repeats; minus strand). Cytogenetic location: 21q22.3.
Variant type: single nucleotide variant.
Coding change: c.467G>A on transcript NM_144991.3 (MANE Select); coding-DNA position 467, G replaced by A.
Protein change: p.Arg156His; replaces arginine 156 with histidine.
Molecular consequence: missense variant.
Genome position (GRCh38, 1-based): chr21:44,533,760, C>T on the plus strand (G>A on the coding strand, the complement: TSPEAR is on the minus strand). VCF-style: chr21-44533760-C-T. GRCh37 (hg19) VCF-style: chr21-45953643-C-T.
Other names: c.263G>A, p.Arg88His (NM_001272037.2); short protein forms R156H, R88H.
Identifiers: ClinVar variation 1201997 (VCV001201997.8), dbSNP rs781829503, ClinGen allele CA10057009.
Genomic context (GRCh38, chr21:44,533,760, plus strand): 5'-CCGCAGTCCGTGGTGAGGGAGAAGACGCCTGCGGACACAGCCAGGACCAGTGTGTGCCAG[C>T]GGCCATCCACCAGGGCCGGGCTGCGGAAGGACACTCGGGTCTGCCAGGCGCCGGCCGTGT-3'
Protein context (NP_659428.2, residues 146-166): SFRSPALVDG[Arg156His]WHTLVLAVSA